The following is an entry in ClinVar:

NM_001283009.2(RTEL1):c.2976G>A (p.Pro992=)

Genes: RTEL1-TNFRSF6B (RTEL1-TNFRSF6B readthrough (NMD candidate); plus strand), RTEL1 (regulator of telomere elongation helicase 1; plus strand). Cytogenetic location: 20q13.33.
Variant type: single nucleotide variant.
Coding change: c.2976G>A on transcript NM_001283009.2 (MANE Select); coding-DNA position 2976, G replaced by A.
Protein change: p.Pro992=; no amino-acid change (proline 992 retained).
Molecular consequence: synonymous variant. On other transcripts: non-coding transcript variant (1).
Genome position (GRCh38, 1-based): chr20:63,693,267, G>A. VCF-style: chr20-63693267-G-A. GRCh37 (hg19) VCF-style: chr20-62324620-G-A.
Other names: c.3048G>A (NM_032957.4); c.2307G>A, p.Pro769= (NM_001283010.1); c.2976G>A, p.Pro992= (NM_016434.4); c.3048G>A, p.Pro1016= (NM_032957.5).
Identifiers: ClinVar variation 1118177 (VCV001118177.14), dbSNP rs373347391, ClinGen allele CA9965686.

ClinVar aggregate classification (germline): Likely benign. Review status: criteria provided, multiple submitters, no conflicts (2 of 4 stars). 4 submissions from 4 submitters: Likely benign (3). 1 of the submissions does not count toward it. Last evaluated 2025-10-16.

Conditions:
RTEL1-related disorder. Also called: RTEL1-related disorders; RTEL1-related condition.
Pulmonary fibrosis and/or bone marrow failure, Telomere-related, 3. Also called: PULMONARY FIBROSIS AND/OR BONE MARROW FAILURE SYNDROME, TELOMERE-RELATED, 3. Identifiers: Orphanet 2032, MedGen C4225346, MONDO:0014613, OMIM 616373.
Dyskeratosis congenita, autosomal recessive 5 (DKCB5). Identifiers: MedGen C3554656, MONDO:0014076, OMIM 615190.
Inborn genetic diseases. Identifiers: MedGen C0950123, MeSH D030342.
Dyskeratosis congenita. Identifiers: Orphanet 1775, MedGen C0265965, MONDO:0015780.

Allele frequency attached by ClinVar (database versions not stated): gnomAD exomes 0.00003 and 0.00005; gnomAD 0.00004 and 0.00005; ExAC 0.00006; TOPMed 0.00006; ESP Exome Variant Server 0.00008; 1000 Genomes Project 30x 0.00016; 1000 Genomes Project 0.00020.
gnomAD v4.1: 53 of 1,611,796 alleles (0.0033%); highest among the groups gnomAD compares: South Asian, 0.02%; no homozygotes.

Submissions (4):

Labcorp Genetics (formerly Invitae), Labcorp
Classification: Likely benign for Dyskeratosis congenita, autosomal recessive 5; Pulmonary fibrosis and/or bone marrow failure, Telomere-related, 3. Last evaluated: 2025-10-16. Review status: criteria provided, single submitter. Criteria: Invitae Variant Classification Sherloc (09022015). Collection method: clinical testing. Allele origin: germline.

Ambry Genetics
Classification: Likely benign for Inborn genetic diseases. Last evaluated: 2023-07-08. Review status: criteria provided, single submitter. Criteria: Ambry Variant Classification Scheme 2023. Collection method: clinical testing. Allele origin: germline.

Sema4
Classification: Likely benign for Dyskeratosis congenita. Last evaluated: 2020-10-20. Review status: criteria provided, single submitter. Criteria: Sema4 Curation Guidelines. Collection method: curation. Allele origin: germline.

PreventionGenetics, part of Exact Sciences
Classification: Likely benign for RTEL1-related condition. Last evaluated: 2022-04-28. Review status: no assertion criteria provided. Collection method: clinical testing. Allele origin: germline. Not counted in ClinVar's aggregate classification.
Comment: This variant is classified as likely benign based on ACMG/AMP sequence variant interpretation guidelines (Richards et al. 2015 PMID: 25741868, with internal and published modifications).